The following is an entry in ClinVar:

NM_177438.3(DICER1):c.4700T>A (p.Leu1567Gln)

Gene: DICER1 (dicer 1, ribonuclease III; minus strand). Cytogenetic location: 14q32.13.
Variant type: single nucleotide variant.
Coding change: c.4700T>A on transcript NM_177438.3 (MANE Select); coding-DNA position 4700, T replaced by A.
Protein change: p.Leu1567Gln; replaces leucine 1567 with glutamine.
Molecular consequence: missense variant. On other transcripts: non-coding transcript variant (6).
Genome position (GRCh38, 1-based): chr14:95,096,220, A>T on the plus strand (T>A on the coding strand, the complement: DICER1 is on the minus strand). VCF-style: chr14-95096220-A-T. GRCh37 (hg19) VCF-style: chr14-95562557-A-T.
Other names: c.4700T>A, p.Leu1567Gln (NM_001195573.1, NM_001271282.3, NM_001291628.2 and 13 more transcripts); c.4418T>A, p.Leu1473Gln (NM_001395686.1); c.4295T>A, p.Leu1432Gln (NM_001395687.1, NM_001395688.1, NM_001395689.1 and 2 more transcripts); c.4133T>A, p.Leu1378Gln (NM_001395691.1); c.3017T>A, p.Leu1006Gln (NM_001395697.1); short protein forms L1473Q, L1006Q, L1567Q, L1378Q, L1432Q.
Identifiers: ClinVar variation 2991354 (VCV002991354.3), dbSNP rs2542489278, ClinGen allele CA390867494.

ClinVar aggregate classification (germline): Uncertain significance (1 of 4 stars; one submission).

Conditions:
DICER1-related tumor predisposition. Also called: DICER1 syndrome; DICER1-related pleuropulmonary blastoma cancer predisposition syndrome. Identifiers: Orphanet 284343, MedGen C3839822, MONDO:0100216.

Submission:

Labcorp Genetics (formerly Invitae), Labcorp
Classification: Uncertain significance for DICER1-related tumor predisposition. Last evaluated: 2024-11-18. Review status: criteria provided, single submitter. Criteria: Invitae Variant Classification Sherloc (09022015). Collection method: clinical testing. Allele origin: germline.
Comment: This sequence change replaces leucine, which is neutral and non-polar, with glutamine, which is neutral and polar, at codon 1567 of the DICER1 protein (p.Leu1567Gln). This variant is not present in population databases (gnomAD no frequency). This variant has not been reported in the literature in individuals affected with DICER1-related conditions. ClinVar contains an entry for this variant (Variation ID: 2991354). Invitae Evidence Modeling of protein sequence and biophysical properties (such as structural, functional, and spatial information, amino acid conservation, physicochemical variation, residue mobility, and thermodynamic stability) indicates that this missense variant is expected to disrupt DICER1 protein function with a positive predictive value of 95%. In summary, the available evidence is currently insufficient to determine the role of this variant in disease. Therefore, it has been classified as a Variant of Uncertain Significance.